The following is an entry in ClinVar:

NM_000548.5(TSC2):c.2023G>C (p.Ala675Pro)

Gene: TSC2 (TSC complex subunit 2; plus strand). Cytogenetic location: 16p13.3.
Variant type: single nucleotide variant.
Coding change: c.2023G>C on transcript NM_000548.5 (MANE Select); coding-DNA position 2023, G replaced by C.
Protein change: p.Ala675Pro; replaces alanine 675 with proline.
Molecular consequence: missense variant. On other transcripts: non-coding transcript variant (5).
Genome position (GRCh38, 1-based): chr16:2,071,860, G>C. VCF-style: chr16-2071860-G-C. GRCh37 (hg19) VCF-style: chr16-2121861-G-C.
Other names: c.2023G>C, p.Ala675Pro (NM_001077183.3, NM_001114382.3, NM_021055.3 and 6 more transcripts); c.1912G>C, p.Ala638Pro (NM_001318827.2, NM_001406670.1, NM_001406678.1); c.1876G>C, p.Ala626Pro (NM_001318829.2, NM_001406675.1, NM_001406676.1 and 1 more transcripts); c.2113G>C, p.Ala705Pro (NM_001406668.1, NM_001406667.1); c.2011G>C, p.Ala671Pro (NM_001406671.1, NM_001406673.1); c.1966G>C, p.Ala656Pro (NM_001406677.1); c.1423G>C, p.Ala475Pro (NM_001406680.1, NM_001318831.2, NM_001406682.1 and 6 more transcripts); c.679G>C, p.Ala227Pro (NM_001406690.1, NM_001406691.1, NM_001406692.1 and 6 more transcripts); and 3 more; short protein forms A638P, A656P, A705P, A475P, A626P, A675P, A141P, A227P.
Identifiers: ClinVar variation 2709520 (VCV002709520.3), dbSNP rs764840082, ClinGen allele CA394274510.

ClinVar aggregate classification (germline): Uncertain significance (1 of 4 stars; one submission).

Conditions:
Tuberous sclerosis 2 (TSC2). Identifiers: Orphanet 805, MedGen C1860707, MONDO:0013199, OMIM 613254.

Submission:

Labcorp Genetics (formerly Invitae), Labcorp
Classification: Uncertain significance for Tuberous sclerosis 2. Last evaluated: 2024-01-16. Review status: criteria provided, single submitter. Criteria: Invitae Variant Classification Sherloc (09022015). Collection method: clinical testing. Allele origin: germline.
Comment: This sequence change replaces alanine, which is neutral and non-polar, with proline, which is neutral and non-polar, at codon 675 of the TSC2 protein (p.Ala675Pro). This variant is not present in population databases (gnomAD no frequency). This variant has not been reported in the literature in individuals affected with TSC2-related conditions. Advanced modeling of protein sequence and biophysical properties (such as structural, functional, and spatial information, amino acid conservation, physicochemical variation, residue mobility, and thermodynamic stability) performed at Invitae indicates that this missense variant is not expected to disrupt TSC2 protein function with a negative predictive value of 95%. In summary, the available evidence is currently insufficient to determine the role of this variant in disease. Therefore, it has been classified as a Variant of Uncertain Significance.